The following is an entry in ClinVar:

NM_004006.3(DMD):c.528_529del (p.His176fs)

Gene: DMD (dystrophin; minus strand). Cytogenetic location: Xp21.1.
Variant type: Deletion.
Coding change: c.528_529del on transcript NM_004006.3 (MANE Select); coding-DNA positions 528 to 529, 2 bases deleted (TA; older notation c.528_529delTA).
Protein change: p.His176fs; shifts the reading frame from histidine 176.
Molecular consequence: frameshift variant.
Genome position (GRCh38, 1-based): chrX:32,816,469-32,816,470, TA deleted on the plus strand (TA on the coding strand, the reverse complement: DMD is on the minus strand); deleting any 2 consecutive bases within chrX:32,816,469-32,816,471 gives the same sequence; the c. name uses the placement nearest the transcript's 3' end. VCF-style (leftmost placement, unchanged base first): chrX-32816468-CTA-C. GRCh37 (hg19) VCF-style: chrX-32834585-CTA-C.
Other names: c.504_505del, p.His168fs (NM_000109.4); c.516_517del, p.His172fs (NM_004009.3); c.159_160del, p.His53fs (NM_004010.3); short protein forms H172fs, H53fs, H168fs, H176fs.
Identifiers: ClinVar variation 1401636 (VCV001401636.1), dbSNP rs2148805788, ClinGen allele CA2573158591.
Genomic context (GRCh38, chrX:32,816,468, plus strand): 5'-GTCATCAGAGTCTAAATCACCACTTTTACAAGTTATTTAATGTCTCAGTAATCTTCTTAC[CTA>C]TGACTATGGATGAGAGCATTCAAAGCCAGGCCATCAGACCAGCTGGTGGTGAAGTTGATT-3'

ClinVar aggregate classification (germline): Pathogenic (1 of 4 stars; one submission).

Conditions:
Duchenne muscular dystrophy (DMD). Also called: MUSCULAR DYSTROPHY, PSEUDOHYPERTROPHIC PROGRESSIVE, DUCHENNE TYPE; Duchenne Muscular Dystrophy (DMD). Identifiers: Orphanet 98896, MedGen C0013264, MONDO:0010679, OMIM 310200.

Submission:

Labcorp Genetics (formerly Invitae), Labcorp
Classification: Pathogenic for Duchenne muscular dystrophy. Last evaluated: 2021-04-24. Review status: criteria provided, single submitter. Criteria: Invitae Variant Classification Sherloc (09022015). Collection method: clinical testing. Allele origin: germline.
Comment: This sequence change creates a premature translational stop signal (p.His176Glnfs*6) in the DMD gene. It is expected to result in an absent or disrupted protein product. Loss-of-function variants in DMD are known to be pathogenic (PMID: 16770791, 25007885). This variant is not present in population databases (ExAC no frequency). This variant has not been reported in the literature in individuals with DMD-related conditions. For these reasons, this variant has been classified as Pathogenic.

Literature cited by the submitters: PubMed 16770791; PubMed 25007885.